The following is an entry in ClinVar:

ClinVar aggregate classification (germline): Uncertain significance (1 of 4 stars; one submission).

Conditions:
Idiopathic generalized epilepsy. Also called: Generalised epilepsy; EIG. Identifiers: MedGen C0270850, MONDO:0005579, OMIM 600669.
Hyperaldosteronism, familial, type IV (HALD4). Also called: FH IV; ALDOSTERONISM, PRIMARY, AND HYPERTENSION. Identifiers: Orphanet 642671, MedGen C4310756, MONDO:0014875, OMIM 617027.

gnomAD v4.1: 1 of 1,552,662 alleles (0.000064%); highest among the groups gnomAD compares: Admixed American, 0.002%; no homozygotes.

Submission:

Labcorp Genetics (formerly Invitae), Labcorp
Classification: Uncertain significance for Idiopathic generalized epilepsy; Hyperaldosteronism, familial, type IV. Last evaluated: 2021-10-07. Review status: criteria provided, single submitter. Criteria: Invitae Variant Classification Sherloc (09022015). Collection method: clinical testing. Allele origin: germline.
Comment: This variant has not been reported in the literature in individuals affected with CACNA1H-related conditions. Advanced modeling of protein sequence and biophysical properties (such as structural, functional, and spatial information, amino acid conservation, physicochemical variation, residue mobility, and thermodynamic stability) performed at Invitae indicates that this missense variant is not expected to disrupt CACNA1H protein function. In summary, the available evidence is currently insufficient to determine the role of this variant in disease. Therefore, it has been classified as a Variant of Uncertain Significance. This sequence change replaces arginine with serine at codon 1892 of the CACNA1H protein (p.Arg1892Ser). The arginine residue is weakly conserved and there is a moderate physicochemical difference between arginine and serine. This variant is not present in population databases (ExAC no frequency).

NM_021098.3(CACNA1H):c.5674C>A (p.Arg1892Ser)

Gene: CACNA1H (calcium voltage-gated channel subunit alpha1 H; plus strand). Cytogenetic location: 16p13.3.
Variant type: single nucleotide variant.
Coding change: c.5674C>A on transcript NM_021098.3 (MANE Select); coding-DNA position 5674, C replaced by A.
Protein change: p.Arg1892Ser; replaces arginine 1892 with serine.
Molecular consequence: missense variant.
Genome position (GRCh38, 1-based): chr16:1,218,438, C>A. VCF-style: chr16-1218438-C-A. GRCh37 (hg19) VCF-style: chr16-1268438-C-A.
Other names: c.5656C>A, p.Arg1886Ser (NM_001005407.2); short protein forms R1886S, R1892S.
Identifiers: ClinVar variation 1494658 (VCV001494658.6), dbSNP rs1292896960, ClinGen allele CA394147673.